The following is an entry in ClinVar:

NM_001005242.3(PKP2):c.1675-3C>T

Gene: PKP2 (plakophilin 2; minus strand). Cytogenetic location: 12p11.21.
Variant type: single nucleotide variant.
Coding change: c.1675-3C>T on transcript NM_001005242.3 (MANE Select); 3 bases into the intron before coding-DNA position 1675, C replaced by T.
Molecular consequence: intron variant.
Genome position (GRCh38, 1-based): chr12:32,822,634, G>A on the plus strand (C>T on the coding strand, the complement: PKP2 is on the minus strand). VCF-style: chr12-32822634-G-A. GRCh37 (hg19) VCF-style: chr12-32975568-G-A.
Other names: c.1807-3C>T (NM_004572.4).
Identifiers: ClinVar variation 882214 (VCV000882214.10), dbSNP rs1592737932, ClinGen allele CA913188441.

ClinVar aggregate classification (germline): Conflicting classifications of pathogenicity. Review status: criteria provided, conflicting classifications (1 of 4 stars). 5 submissions from 5 submitters: Uncertain significance (3); Likely benign (2). Last evaluated 2024-09-25.

Conditions:
Cardiovascular phenotype. Identifiers: MedGen CN230736.
Arrhythmogenic right ventricular cardiomyopathy (ARVD). Also called: Cardiomyopathy, ARVC; Arrhythmogenic right ventricular dysplasia; Arrhythmogenic cardiomyopathy; Arrhythmogenic Right Ventricular Cardiomyopathy (ARVC). Identifiers: Orphanet 247, MedGen C0349788, MeSH D019571, MONDO:0016587. Disease mechanism: loss of function. Inheritance: Various modes of inheritance.
Cardiomyopathy (CMYO). Also called: Cardiomyopathies. Identifiers: Orphanet 167848, MedGen C0878544, MONDO:0004994, HP:0001638. Inheritance: Various modes of inheritance.
Arrhythmogenic right ventricular dysplasia 9 (ARVD9). Also called: Arrhythmogenic Right Ventricular Dysplasia/Cardiomyopathy 9; ARRHYTHMOGENIC RIGHT VENTRICULAR DYSPLASIA, FAMILIAL, 9. Identifiers: MedGen C1836906, MONDO:0012180, OMIM 609040.

gnomAD v4.1: 2 of 1,613,846 alleles (0.00012%); highest among the groups gnomAD compares: Non-Finnish European, 0.00017%; no homozygotes.

Submissions (5):

Ambry Genetics
Classification: Uncertain significance for Cardiovascular phenotype. Last evaluated: 2024-09-25. Review status: criteria provided, single submitter. Criteria: Ambry Variant Classification Scheme 2023. Collection method: clinical testing. Allele origin: germline.
Comment: The c.1807-3C>T intronic variant results from a C to T substitution 3 nucleotides upstream from coding exon 9 in the PKP2 gene. This nucleotide position is well conserved in available vertebrate species. In silico splice site analysis predicts that this alteration will not have any significant effect on splicing. Based on the available evidence, the clinical significance of this variant remains unclear.

Labcorp Genetics (formerly Invitae), Labcorp
Classification: Uncertain significance for Arrhythmogenic right ventricular dysplasia 9. Last evaluated: 2024-08-01. Review status: criteria provided, single submitter. Criteria: Invitae Variant Classification Sherloc (09022015). Collection method: clinical testing. Allele origin: germline.
Comment: This sequence change falls in intron 8 of the PKP2 gene. It does not directly change the encoded amino acid sequence of the PKP2 protein. It affects a nucleotide within the consensus splice site. This variant is not present in population databases (gnomAD no frequency). This variant has not been reported in the literature in individuals affected with PKP2-related conditions. ClinVar contains an entry for this variant (Variation ID: 882214). Variants that disrupt the consensus splice site are a relatively common cause of aberrant splicing (PMID: 17576681, 9536098). Algorithms developed to predict the effect of sequence changes on RNA splicing suggest that this variant is not likely to affect RNA splicing. In summary, the available evidence is currently insufficient to determine the role of this variant in disease. Therefore, it has been classified as a Variant of Uncertain Significance.

All of Us Research Program, National Institutes of Health
Classification: Likely benign for Arrhythmogenic right ventricular cardiomyopathy. Last evaluated: 2023-08-15. Review status: criteria provided, single submitter. Criteria: ACMG Guidelines, 2015. Collection method: clinical testing. Allele origin: germline. Inheritance: Autosomal dominant inheritance. Observed: 1 variant allele, 1 heterozygote.
Comment: This study involves interpretation of variants in research participants for the purpose of population health screening. Participant phenotype was not available at the time of variant classification. Additional details can be found in publication PMID: 35346344, PMCID: PMC8962531

Color Diagnostics, LLC DBA Color Health
Classification: Likely benign for Cardiomyopathy. Last evaluated: 2018-10-26. Review status: criteria provided, single submitter. Criteria: ACMG Guidelines, 2015. Collection method: clinical testing. Allele origin: germline.

Illumina Laboratory Services, Illumina
Classification: Uncertain significance for Arrhythmogenic right ventricular dysplasia 9. Last evaluated: 2017-04-27. Review status: criteria provided, single submitter. Criteria: ICSL Variant Classification Criteria 13 December 2019. Collection method: clinical testing. Allele origin: germline.

Literature cited by the submitters: PubMed 17576681 (cited by Labcorp Genetics (formerly Invitae), Labcorp); PubMed 9536098 (cited by Labcorp Genetics (formerly Invitae), Labcorp).